The following is an entry in ClinVar:

NM_000059.4(BRCA2):c.7397_7398delinsCG (p.Val2466Ala)

Gene: BRCA2 (BRCA2 DNA repair associated; plus strand). Cytogenetic location: 13q13.1.
Variant type: Indel.
Coding change: c.7397_7398delinsCG on transcript NM_000059.4 (MANE Select); coding-DNA positions 7397 to 7398, TA replaced by CG.
Protein change: p.Val2466Ala; replaces valine 2466 with alanine.
Molecular consequence: missense variant.
Genome position (GRCh38, 1-based): chr13:32,355,250-32,355,251, TA replaced by CG. VCF-style: chr13-32355250-TA-CG. GRCh37 (hg19) VCF-style: chr13-32929387-TA-CG.
Other names: short protein forms V2466A.
Identifiers: ClinVar variation 1157128 (VCV001157128.5), dbSNP rs2137558752, ClinGen allele CA2499222281.
Genomic context (GRCh38, chr13:32,355,250, plus strand): 5'-AAAATAAGATTAATGACAATGAGATTCATCAGTTTAACAAAAACAACTCCAATCAAGCAG[TA>CG]GCTGTAACTTTCACAAAGTGTGAAGAAGAACCTTTAGGTATTGTATGACAATTTGTGTGA-3'
Protein context (NP_000050.3, residues 2456-2476): QFNKNNSNQA[Val2466Ala]AVTFTKCEEE

ClinVar aggregate classification (germline): Conflicting classifications of pathogenicity. Review status: criteria provided, conflicting classifications (1 of 4 stars). 2 submissions from 2 submitters: Uncertain significance (1); Likely benign (1). Last evaluated 2025-07-23.

Conditions:
Hereditary breast ovarian cancer syndrome. Also called: Hereditary breast and ovarian cancer syndrome; Breast and ovarian cancer; BRCA1- and BRCA2-Associated Hereditary Breast and Ovarian Cancer; Hereditary breast and/or ovarian cancer syndrome; Hereditary breast and ovarian cancer syndrome (HBOC); Hereditary breast and ovarian cancer. Identifiers: Orphanet 145, MedGen C0677776, MeSH D061325, MONDO:0003582. Disease mechanism: loss of function.
Hereditary cancer-predisposing syndrome. Also called: Hereditary neoplastic syndrome; Hereditary Cancer Syndrome; Tumor predisposition; Neoplastic Syndromes, Hereditary. Identifiers: Orphanet 140162, MedGen C0027672, MeSH D009386, MONDO:0015356.

Submissions (2):

Color Diagnostics, LLC DBA Color Health
Classification: Uncertain significance for Hereditary cancer-predisposing syndrome. Last evaluated: 2025-07-23. Review status: criteria provided, single submitter. Criteria: ACMG Guidelines, 2015. Collection method: clinical testing. Allele origin: germline.
Comment: This missense variant replaces valine with alanine at codon 2466 of the BRCA2 protein. Computational prediction suggests that this variant may not impact protein structure and function. To our knowledge, functional studies have not been reported for this variant. This or similar variant causing the same p.Val2466Ala protein substitution has been reported in three cancer case-control studies: breast cancer in 1/7104 cases and 4/23731 unaffected individuals (PMID: 30287823), pancreatic cancer in 0/1005 cases and 3/23705 unaffected individuals (PMID: 32980694), and prostate cancer in 1/7636 cases and 4/12366 unaffected individuals (PMID: 31214711). This variant has not been identified in the general population by the Genome Aggregation Database (gnomAD). The available evidence is insufficient to determine the role of this variant in disease conclusively. Therefore, this variant is classified as a Variant of Uncertain Significance.

Labcorp Genetics (formerly Invitae), Labcorp
Classification: Likely benign for Hereditary breast ovarian cancer syndrome. Last evaluated: 2015-10-30. Review status: criteria provided, single submitter. Criteria: Invitae Variant Classification Sherloc (09022015). Collection method: clinical testing. Allele origin: germline.

Literature cited by the submitters: PubMed 30287823 (cited by Color Diagnostics, LLC DBA Color Health); PubMed 31214711 (cited by Color Diagnostics, LLC DBA Color Health); PubMed 32980694 (cited by Color Diagnostics, LLC DBA Color Health).